The following is an entry in ClinVar:

NM_003482.4(KMT2D):c.2977C>T (p.Pro993Ser)

Gene: KMT2D (lysine methyltransferase 2D; minus strand). Cytogenetic location: 12q13.12.
Variant type: single nucleotide variant.
Coding change: c.2977C>T on transcript NM_003482.4 (MANE Select); coding-DNA position 2977, C replaced by T.
Protein change: p.Pro993Ser; replaces proline 993 with serine.
Molecular consequence: missense variant.
Genome position (GRCh38, 1-based): chr12:49,050,611, G>A on the plus strand (C>T on the coding strand, the complement: KMT2D is on the minus strand). VCF-style: chr12-49050611-G-A. GRCh37 (hg19) VCF-style: chr12-49444394-G-A.
Other names: short protein forms P993S.
Identifiers: ClinVar variation 1691050 (VCV001691050.2), dbSNP rs2120653882, ClinGen allele CA384660216.

ClinVar aggregate classification (germline): Uncertain significance (1 of 4 stars; one submission).

Submission:

Laboratorio de Genetica e Diagnostico Molecular, Hospital Israelita Albert Einstein
Classification: Uncertain significance. Last evaluated: 2021-09-03. Review status: criteria provided, single submitter. Criteria: ACMG Guidelines, 2015. Collection method: clinical testing. Allele origin: germline. Affected: yes.
Comment: ACMG classification criteria: PM2, BP4